The following is an entry in ClinVar:

ClinVar aggregate classification (germline): Likely benign (0 of 4 stars; one submission).

Conditions:
DROSHA-related disorder. Also called: DROSHA-related condition.

Allele frequency attached by ClinVar (database versions not stated): gnomAD exomes 0.00014; gnomAD 0.00019; TOPMed 0.00032; ExAC 0.00047; 1000 Genomes Project 30x 0.00094; 1000 Genomes Project 0.00100.
gnomAD v4.1: 245 of 1,611,754 alleles (0.015%); highest among the groups gnomAD compares: East Asian, 0.47%; 1 homozygote.

Submission:

PreventionGenetics, part of Exact Sciences
Classification: Likely benign for DROSHA-related condition. Last evaluated: 2023-08-03. Review status: no assertion criteria provided. Collection method: clinical testing. Allele origin: germline.
Comment: This variant is classified as likely benign based on ACMG/AMP sequence variant interpretation guidelines (Richards et al. 2015 PMID: 25741868, with internal and published modifications).

NM_001382508.1(DROSHA):c.2337T>C (p.Pro779=)

Gene: DROSHA (drosha ribonuclease III; minus strand). Cytogenetic location: 5p13.3.
Variant type: single nucleotide variant.
Coding change: c.2337T>C on transcript NM_001382508.1 (MANE Select); coding-DNA position 2337, T replaced by C.
Protein change: p.Pro779=; no amino-acid change (proline 779 retained).
Molecular consequence: synonymous variant.
Genome position (GRCh38, 1-based): chr5:31,467,968, A>G on the plus strand (T>C on the coding strand, the complement: DROSHA is on the minus strand). VCF-style: chr5-31467968-A-G. GRCh37 (hg19) VCF-style: chr5-31468075-A-G.
Other names: c.2226T>C, p.Pro742= (NM_001100412.2); c.2337T>C, p.Pro779= (NM_013235.5).
Identifiers: ClinVar variation 3043211 (VCV003043211.2), dbSNP rs138703401, ClinGen allele CA3217475.